The following is an entry in ClinVar:

NM_172351.3(CD46):c.608T>C (p.Ile203Thr)

Gene: CD46 (CD46 molecule; plus strand). Cytogenetic location: 1q32.2.
Variant type: single nucleotide variant.
Coding change: c.608T>C on transcript NM_172351.3 (MANE Select); coding-DNA position 608, T replaced by C.
Protein change: p.Ile203Thr; replaces isoleucine 203 with threonine.
Molecular consequence: missense variant.
Genome position (GRCh38, 1-based): chr1:207,761,381, T>C. VCF-style: chr1-207761381-T-C. GRCh37 (hg19) VCF-style: chr1-207934726-T-C.
Other names: c.608T>C, p.Ile203Thr (NM_002389.4, NM_153826.4, NM_172350.3 and 8 more transcripts); short protein forms I203T.
Identifiers: ClinVar variation 4291163 (VCV004291163.1).

ClinVar aggregate classification (germline): Uncertain significance (1 of 4 stars; one submission).

Conditions:
Atypical hemolytic-uremic syndrome. Identifiers: Orphanet 2134, MedGen C2931788, MONDO:0016244.

Submission:

Genomenon, Inc
Classification: Uncertain significance for Atypical hemolytic-uremic syndrome. Last evaluated: 2025-10-02. Review status: criteria provided, single submitter. Criteria: Genomenon Sequence Variant Interpretation Standards. Collection method: curation. Allele origin: germline. Affected: yes.
Comment: CD46 p.Ile203Thr (c.608T>C) is a missense variant that changes the amino acid at residue 203 from Isoleucine to Threonine. This variant has been observed in at least one proband affected with atypical hemolytic-uremic syndrome (PMID:36622444;37744338;27799617;36421183). It is absent or not present at a significant frequency in gnomAD. In silico models agree that this variant is not damaging. In conclusion, we classify CD46 p.Ile203Thr (c.608T>C) as a variant of uncertain significance.

Literature cited by the submitters: PubMed 36622444; PubMed 37744338; PubMed 27799617; PubMed 36421183.